The following is an entry in ClinVar:

GRCh38/hg38 9p24.2(chr9:2267812-2684272)x3

Genes: VLDLR (very low density lipoprotein receptor; plus strand), VLDLR-AS1 (VLDLR antisense RNA 1; minus strand), LOC121740738 (Sharpr-MPRA regulatory region 6053; plus strand), LOC124210606 (Sharpr-MPRA regulatory region 8982; plus strand), LOC126860557 (MED14-independent group 3 enhancer GRCh37_chr9:2361801-2363000; plus strand) and 6 more. Cytogenetic location: 9p24.2.
Variant type: copy number gain.
Change: copy number 3 (three copies instead of two) of chr9:2,267,812-2,684,272 (416.5 kb, GRCh38 coordinates, 1-based), cytogenetic band 9p24.2.
Identifiers: ClinVar variation 57262 (VCV000057262.1).

ClinVar aggregate classification (germline): Uncertain significance (1 of 4 stars; one submission).

Submission:

ISCA site 4
Classification: Uncertain significance. Last evaluated: 2011-08-12. Review status: criteria provided, single submitter. Criteria: Kaminsky et al. (Genet Med. 2011). Collection method: clinical testing. Allele origin: maternal. Affected: yes. Observed: 1 variant allele.
Comment: Copy number variation identified through the course of routine clinical cytogenomic testing in postnatal populations. Clinical assertions have been curated as described in Kaminsky et al. 2011.